The following is an entry in ClinVar:

ClinVar aggregate classification (germline): Pathogenic. Review status: criteria provided, multiple submitters, no conflicts (2 of 4 stars). 2 submissions from 2 submitters: Pathogenic (2). Last evaluated 2025-11-10.

Conditions:
Cardiovascular phenotype. Identifiers: MedGen CN230736.
Charcot-Marie-Tooth disease type 2. Also called: Charcot-Marie-Tooth type 2. Identifiers: Orphanet 64746, MedGen C0270914, MONDO:0018993.

Submissions (2):

Labcorp Genetics (formerly Invitae), Labcorp
Classification: Pathogenic for Charcot-Marie-Tooth disease type 2. Last evaluated: 2025-11-10. Review status: criteria provided, single submitter. Criteria: Invitae Variant Classification Sherloc (09022015). Collection method: clinical testing. Allele origin: germline.
Comment: This sequence change creates a premature translational stop signal (p.Trp514*) in the LMNA gene. It is expected to result in an absent or disrupted protein product. Loss-of-function variants in LMNA are known to be pathogenic (PMID: 18585512, 18926329). This variant is not present in population databases (gnomAD no frequency). This premature translational stop signal has been observed in individual(s) with clinical features of LMNA-related conditions (PMID: 23183350, 26620845). ClinVar contains an entry for this variant (Variation ID: 1457783). For these reasons, this variant has been classified as Pathogenic.

Ambry Genetics
Classification: Pathogenic for Cardiovascular phenotype. Last evaluated: 2024-10-30. Review status: criteria provided, single submitter. Criteria: Ambry Variant Classification Scheme 2023. Collection method: clinical testing. Allele origin: germline.
Comment: The p.W514* pathogenic mutation (also known as c.1542G>A), located in coding exon 9 of the LMNA gene, results from a G to A substitution at nucleotide position 1542. This changes the amino acid from a tryptophan to a stop codon within coding exon 9. This variant was reported in multiple individuals with features consistent with LMNA-related laminopathy, including arrhythmogenic cardiomyopathy and cardiac conduction disease (van Rijsingen IA et al. Eur J Heart Fail, 2013 Apr;15:376-84; Kato K et al. J Cardiol, 2016 Oct;68:346-51; Mates J et al. Eur J Hum Genet, 2018 Jul;26:1014-1025; Segura-Rodr&iacute;guez D et al. Eur Heart J Cardiovasc Imaging, 2020 Apr;21:378-386; Resdal Dyssekilde J et al. J Am Heart Assoc, 2022 May;11:e025643; Garcia-Pavia P et al. Circ Heart Fail, 2024 Jul;17:e011548). This variant is considered to be rare based on population cohorts in the Genome Aggregation Database (gnomAD). In addition to the clinical data presented in the literature, this alteration is expected to result in loss of function by premature protein truncation or nonsense-mediated mRNA decay. As such, this alteration is interpreted as a disease-causing mutation.

Literature cited by the submitters: PubMed 18585512 (cited by Labcorp Genetics (formerly Invitae), Labcorp); PubMed 18926329 (cited by Labcorp Genetics (formerly Invitae), Labcorp); PubMed 23183350 (cited by Labcorp Genetics (formerly Invitae), Labcorp and Ambry Genetics); PubMed 26620845 (cited by Labcorp Genetics (formerly Invitae), Labcorp and Ambry Genetics); PubMed 29511324 (cited by Ambry Genetics); PubMed 31702781 (cited by Ambry Genetics); PubMed 35470684 (cited by Ambry Genetics); PubMed 38979608 (cited by Ambry Genetics).

NM_170707.4(LMNA):c.1542G>A (p.Trp514Ter)

Gene: LMNA (lamin A/C; plus strand). Cytogenetic location: 1q22.
Variant type: single nucleotide variant.
Coding change: c.1542G>A on transcript NM_170707.4 (MANE Select); coding-DNA position 1542, G replaced by A.
Protein change: p.Trp514Ter; replaces tryptophan 514 with a stop codon.
Molecular consequence: nonsense.
Genome position (GRCh38, 1-based): chr1:156,137,166, G>A. VCF-style: chr1-156137166-G-A. GRCh37 (hg19) VCF-style: chr1-156106957-G-A.
Other names: c.1542G>A (NM_170707.2); c.1206G>A, p.Trp402Ter (NM_001257374.3); c.1299G>A, p.Trp433Ter (NM_001282624.2); c.1542G>A, p.Trp514Ter (NM_001282625.2, NM_001282626.2, NM_005572.4 and 1 more transcripts); short protein forms W402*, W514*, W433*.
Identifiers: ClinVar variation 1457783 (VCV001457783.9), dbSNP rs2102895466, ClinGen allele CA342823253.
Genomic context (GRCh38, chr1:156,137,166, plus strand): 5'-TCTCCAGATCTGGGCTGCAGGAGCTGGGGCCACCCACAGCCCCCCTACCGACCTGGTGTG[G>A]AAGGCACAGAACACCTGGGGCTGCGGGAACAGCCTGCGTACGGCTCTCATCAACTCCACT-3'